The following is an entry in ClinVar:

NM_001267550.2(TTN):c.32727A>T (p.Pro10909=)

Gene: TTN (titin; minus strand). Cytogenetic location: 2q31.2.
Variant type: single nucleotide variant.
Coding change: c.32727A>T on transcript NM_001267550.2 (MANE Select); coding-DNA position 32727, A replaced by T.
Protein change: p.Pro10909=; no amino-acid change (proline 10909 retained).
Molecular consequence: synonymous variant. On other transcripts: intron variant (3).
Genome position (GRCh38, 1-based): chr2:178,684,078, T>A on the plus strand (A>T on the coding strand, the complement: TTN is on the minus strand). VCF-style: chr2-178684078-T-A. GRCh37 (hg19) VCF-style: chr2-179548805-T-A.
Other names: c.31776A>T, p.Pro10592= (NM_001256850.1); c.28995A>T, p.Pro9665= (NM_133378.4); c.13283-41761A>T (NM_003319.4); c.13859-41761A>T (NM_133437.4); c.13658-41761A>T (NM_133432.3).
Identifiers: ClinVar variation 1589657 (VCV001589657.12), dbSNP rs756675105, ClinGen allele CA1998541.

ClinVar aggregate classification (germline): Likely benign. Review status: criteria provided, multiple submitters, no conflicts (2 of 4 stars). 2 submissions from 2 submitters: Likely benign (2). Last evaluated 2026-07-01.

Conditions:
Dilated cardiomyopathy 1G (CMD1G). Identifiers: Orphanet 154, MedGen C1858763, MONDO:0011400, OMIM 604145.
Autosomal recessive limb-girdle muscular dystrophy type 2J (LGMDR10). Also called: MUSCULAR DYSTROPHY, LIMB-GIRDLE, AUTOSOMAL RECESSIVE 10; Limb-girdle muscular dystrophy, type 2J. Identifiers: Orphanet 140922, MedGen C1837342, MONDO:0012127, OMIM 608807.

Allele frequency attached by ClinVar (database versions not stated): ExAC 0.00001; TOPMed 0.00002.
gnomAD v4.1: 1 of 1,612,680 alleles (0.000062%); highest among the groups gnomAD compares: Admixed American, 0.0017%; no homozygotes.

Submissions (2):

CeGaT Center for Human Genetics Tuebingen
Classification: Likely benign. Last evaluated: 2026-07-01. Review status: criteria provided, single submitter. Criteria: CeGaT Center For Human Genetics Tuebingen Variant Classification Criteria Version 2. Collection method: clinical testing. Allele origin: germline. Affected: yes. Observed: 2 variant alleles.
Comment: TTN: BP4, BP7

Labcorp Genetics (formerly Invitae), Labcorp
Classification: Likely benign for Dilated cardiomyopathy 1G; Autosomal recessive limb-girdle muscular dystrophy type 2J. Last evaluated: 2026-01-03. Review status: criteria provided, single submitter. Criteria: Invitae Variant Classification Sherloc (09022015). Collection method: clinical testing. Allele origin: germline.